The following is an entry in ClinVar:

ClinVar aggregate classification (germline): Uncertain significance (1 of 4 stars; one submission).

Conditions:
Bethlem myopathy 1A. Also called: Bethlem myopathy 1; Bethlem Muscular Dystrophy; MYOPATHY, BENIGN CONGENITAL, WITH CONTRACTURES. Identifiers: Orphanet 610, MedGen CN029274, MONDO:0024530, OMIM 158810.

Submission:

Labcorp Genetics (formerly Invitae), Labcorp
Classification: Uncertain significance for Bethlem myopathy 1A. Last evaluated: 2025-09-30. Review status: criteria provided, single submitter. Criteria: Invitae Variant Classification Sherloc (09022015). Collection method: clinical testing. Allele origin: germline.
Comment: This variant, c.2651_2653del, results in the deletion of 1 amino acid(s) of the COL6A1 protein (p.Gln884del), but otherwise preserves the integrity of the reading frame. This variant is not present in population databases (gnomAD no frequency). This variant has not been reported in the literature in individuals affected with COL6A1-related conditions. In summary, the available evidence is currently insufficient to determine the role of this variant in disease. Therefore, it has been classified as a Variant of Uncertain Significance.

NM_001848.3(COL6A1):c.2648AGC[1] (p.Gln884del)

Gene: COL6A1 (collagen type VI alpha 1 chain; plus strand). Cytogenetic location: 21q22.3.
Variant type: Microsatellite.
Coding change: c.2648AGC[1] on transcript NM_001848.3 (MANE Select); one copy of the 3-base unit AGC starting at c.2648; the reference has two copies in a row; one copy, 3 bases deleted.
Protein change: p.Gln884del; deletes glutamine 884.
Genome position (GRCh38, 1-based): chr21:46,003,577-46,003,579, AGC deleted; deleting any 3 consecutive bases within chr21:46,003,573-46,003,579 gives the same sequence; the position shown is the placement nearest the transcript's 3' end. VCF-style (leftmost placement, unchanged base first): chr21-46003572-CCAG-C. GRCh37 (hg19) VCF-style: chr21-47423486-CCAG-C.
Other names: short protein forms Q884del.
Identifiers: ClinVar variation 4767130 (VCV004767130.1).